The following is an entry in ClinVar:

ClinVar aggregate classification (germline): Uncertain significance (1 of 4 stars; one submission).

Conditions:
Epidermolysis bullosa simplex with nail dystrophy (EBS5D). Identifiers: MedGen C4225309, MONDO:0014661, OMIM 616487.
Epidermolysis bullosa simplex, Ogna type (EBS5A). Also called: EPIDERMOLYSIS BULLOSA SIMPLEX 5A, OGNA TYPE; Pidermolysis bullosa simplex 5A, Ogna type. Identifiers: Orphanet 79401, MedGen C0432317, MONDO:0007555, OMIM 131950.
Autosomal recessive limb-girdle muscular dystrophy type 2Q (LGMDR17). Also called: MUSCULAR DYSTROPHY, LIMB-GIRDLE, AUTOSOMAL RECESSIVE 17. Identifiers: Orphanet 254361, MedGen C3150989, MONDO:0013390, OMIM 613723.
Epidermolysis bullosa simplex 5B, with muscular dystrophy (EBS5B). Also called: EPIDERMOLYSIS BULLOSA SIMPLEX AND LIMB-GIRDLE MUSCULAR DYSTROPHY; Epidermolysis bullosa simplex with muscular dystrophy. Identifiers: Orphanet 257, MedGen C2931072, MONDO:0009181, OMIM 226670.
Epidermolysis bullosa simplex 5C, with pyloric atresia (EBS5C). Also called: PLEC1-Related Epidermolysis Bullosa with Pyloric Atresia; PLEC-Related Epidermolysis Bullosa with Pyloric Atresia; Epidermolysis bullosa simplex with pyloric atresia. Identifiers: Orphanet 158684, MedGen C2677349, MONDO:0012807, OMIM 612138.

gnomAD v4.1: 9 of 1,612,486 alleles (0.00056%); highest among the groups gnomAD compares: South Asian, 0.0011%; no homozygotes.

Submission:

Labcorp Genetics (formerly Invitae), Labcorp
Classification: Uncertain significance for Autosomal recessive limb-girdle muscular dystrophy type 2Q; Epidermolysis bullosa simplex, Ogna type; Epidermolysis bullosa simplex with nail dystrophy; Epidermolysis bullosa simplex 5C, with pyloric atresia; Epidermolysis bullosa simplex 5B, with muscular dystrophy. Last evaluated: 2024-09-05. Review status: criteria provided, single submitter. Criteria: Invitae Variant Classification Sherloc (09022015). Collection method: clinical testing. Allele origin: germline.
Comment: This sequence change replaces valine, which is neutral and non-polar, with methionine, which is neutral and non-polar, at codon 3771 of the PLEC protein (p.Val3771Met). This variant is present in population databases (rs528590099, gnomAD 0.003%). This variant has not been reported in the literature in individuals affected with PLEC-related conditions. An algorithm developed to predict the effect of missense changes on protein structure and function (PolyPhen-2) suggests that this variant is likely to be disruptive. In summary, the available evidence is currently insufficient to determine the role of this variant in disease. Therefore, it has been classified as a Variant of Uncertain Significance.

NM_201384.3(PLEC):c.11230G>A (p.Val3744Met)

Gene: PLEC (plectin; minus strand). Cytogenetic location: 8q24.3.
Variant type: single nucleotide variant.
Coding change: c.11230G>A on transcript NM_201384.3 (MANE Select); coding-DNA position 11230, G replaced by A.
Protein change: p.Val3744Met; replaces valine 3744 with methionine.
Molecular consequence: missense variant.
Genome position (GRCh38, 1-based): chr8:143,918,591, C>T on the plus strand (G>A on the coding strand, the complement: PLEC is on the minus strand). VCF-style: chr8-143918591-C-T. GRCh37 (hg19) VCF-style: chr8-144992759-C-T.
Other names: c.11311G>A, p.Val3771Met (NM_000445.5); c.7930G>A, p.Val2644Met (NM_001410941.1); c.11188G>A, p.Val3730Met (NM_201378.4); c.11164G>A, p.Val3722Met (NM_201379.3); c.11641G>A, p.Val3881Met (NM_201380.4); c.11134G>A, p.Val3712Met (NM_201381.3); c.11230G>A, p.Val3744Met (NM_201382.4); c.11242G>A, p.Val3748Met (NM_201383.3); short protein forms V2644M, V3712M, V3722M, V3730M, V3744M, V3748M, V3771M, V3881M.
Identifiers: ClinVar variation 3763627 (VCV003763627.2).